The following is an entry in ClinVar:

NM_000088.4(COL1A1):c.2753G>A (p.Arg918His)

Gene: COL1A1 (collagen type I alpha 1 chain; minus strand). Cytogenetic location: 17q21.33.
Variant type: single nucleotide variant.
Coding change: c.2753G>A on transcript NM_000088.4 (MANE Select); coding-DNA position 2753, G replaced by A.
Protein change: p.Arg918His; replaces arginine 918 with histidine.
Molecular consequence: missense variant.
Genome position (GRCh38, 1-based): chr17:50,189,453, C>T on the plus strand (G>A on the coding strand, the complement: COL1A1 is on the minus strand). VCF-style: chr17-50189453-C-T. GRCh37 (hg19) VCF-style: chr17-48266814-C-T.
Other names: short protein forms R918H.
Identifiers: ClinVar variation 3663326 (VCV003663326.2).

ClinVar aggregate classification (germline): Uncertain significance (1 of 4 stars; one submission).

Conditions:
Osteogenesis imperfecta type I (OI1). Also called: Lobstein's Disease; Lobstein disease; Classic Non-deforming Osteogenesis Imperfecta with Blue Sclerae; OI, TYPE I; OSTEOGENESIS IMPERFECTA TARDA; OSTEOGENESIS IMPERFECTA WITH BLUE SCLERAE. Identifiers: Orphanet 216796, Orphanet 666, MedGen C0023931, MONDO:0008146, OMIM 166200. Disease mechanism: loss of function.

gnomAD v4.1: 19 of 1,612,958 alleles (0.0012%); highest among the groups gnomAD compares: African/African-American, 0.0054%; no homozygotes.

Submission:

Labcorp Genetics (formerly Invitae), Labcorp
Classification: Uncertain significance for Osteogenesis imperfecta type I. Last evaluated: 2025-11-23. Review status: criteria provided, single submitter. Criteria: Invitae Variant Classification Sherloc (09022015). Collection method: clinical testing. Allele origin: germline.
Comment: This sequence change replaces arginine, which is basic and polar, with histidine, which is basic and polar, at codon 918 of the COL1A1 protein (p.Arg918His). This variant is present in population databases (rs181824088, gnomAD 0.02%). This variant has not been reported in the literature in individuals affected with COL1A1-related conditions. ClinVar contains an entry for this variant (Variation ID: 3663326). Invitae Evidence Modeling of protein sequence and biophysical properties (such as structural, functional, and spatial information, amino acid conservation, physicochemical variation, residue mobility, and thermodynamic stability) has been performed for this missense variant. However, the output from this modeling did not meet the statistical confidence thresholds required to predict the impact of this variant on COL1A1 protein function. In summary, the available evidence is currently insufficient to determine the role of this variant in disease. Therefore, it has been classified as a Variant of Uncertain Significance.